The following is an entry in ClinVar:

ClinVar aggregate classification (germline): Likely benign (1 of 4 stars; one submission).

Submission:

GeneDx
Classification: Likely benign. Last evaluated: 2017-04-06. Review status: criteria provided, single submitter. Criteria: GeneDx Variant Classification (06012015). Collection method: clinical testing. Allele origin: germline. Affected: yes.
Comment: This variant is considered likely benign or benign based on one or more of the following criteria: it is a conservative change, it occurs at a poorly conserved position in the protein, it is predicted to be benign by multiple in silico algorithms, and/or has population frequency not consistent with disease.

NM_000093.5(COL5A1):c.2701-14T>C

Gene: COL5A1 (collagen type V alpha 1 chain; plus strand). Cytogenetic location: 9q34.3.
Variant type: single nucleotide variant.
Coding change: c.2701-14T>C on transcript NM_000093.5 (MANE Select); 14 bases into the intron before coding-DNA position 2701, T replaced by C.
Molecular consequence: intron variant.
Genome position (GRCh38, 1-based): chr9:134,795,068, T>C. VCF-style: chr9-134795068-T-C. GRCh37 (hg19) VCF-style: chr9-137686914-T-C.
Other names: c.2701-14T>C (NM_001278074.1).
Identifiers: ClinVar variation 508640 (VCV000508640.1), dbSNP rs1554801400, ClinGen allele CA658797344.
Genomic context (GRCh38, chr9:134,795,068, plus strand): 5'-CCCGGGAGACAGCTGCCACCTGAGCAGGGCCGGGCATTTAGAGAGTGACTGACCAGCCCC[T>C]TCTCTGATTCTAGGGGACCCCTGGAAAGCCAGGACCGCGGGGGCAGCGAGGCCCAACGGT-3'